The following is an entry in ClinVar:

NM_001079802.2(FKTN):c.180dup (p.Phe61fs)

Gene: FKTN (fukutin; plus strand). Cytogenetic location: 9q31.2.
Variant type: Duplication.
Coding change: c.180dup on transcript NM_001079802.2 (MANE Select); coding-DNA position 180, one base duplicated (A; older notation c.180dupA).
Protein change: p.Phe61fs; shifts the reading frame from phenylalanine 61.
Molecular consequence: frameshift variant. On other transcripts: 5 prime UTR variant (4), non-coding transcript variant (2).
Genome position (GRCh38, 1-based): chr9:105,601,159, A duplicated; the last of 6 consecutive A bases (chr9:105,601,154-105,601,159); duplicating any one gives the same sequence. VCF-style (leftmost placement, unchanged base first): chr9-105601153-T-TA. GRCh37 (hg19) VCF-style: chr9-108363434-T-TA.
Other names: c.180dup, p.Phe61fs (NM_001198963.2, NM_001351496.2, NM_001351498.2 and 1 more transcripts); c.111dup, p.Phe38fs (NM_001351497.2); c.-335dup (NM_001351499.2, NM_001351500.2, NM_001351501.2 and 1 more transcripts); c.180dupA (NM_001079802.1); short protein forms F38fs, F61fs.
Identifiers: ClinVar variation 1363376 (VCV001363376.7), dbSNP rs2132704748, ClinGen allele CA2573143657.

ClinVar aggregate classification (germline): Pathogenic. Review status: criteria provided, multiple submitters, no conflicts (2 of 4 stars). 2 submissions from 2 submitters: Pathogenic (2). Last evaluated 2025-05-24.

Conditions:
Walker-Warburg congenital muscular dystrophy. Also called: Muscular dystrophy-dystroglycanopathy, type A; Walker-Warburg syndrome. Identifiers: Orphanet 899, MedGen C0265221, MONDO:0000171.
Cardiovascular phenotype. Identifiers: MedGen CN230736.

Submissions (2):

Labcorp Genetics (formerly Invitae), Labcorp
Classification: Pathogenic for Walker-Warburg congenital muscular dystrophy. Last evaluated: 2025-05-24. Review status: criteria provided, single submitter. Criteria: Invitae Variant Classification Sherloc (09022015). Collection method: clinical testing. Allele origin: germline.
Comment: This sequence change creates a premature translational stop signal (p.Phe61Ilefs*16) in the FKTN gene. It is expected to result in an absent or disrupted protein product. Loss-of-function variants in FKTN are known to be pathogenic (PMID: 17044012, 17878207, 18752264). This variant is not present in population databases (gnomAD no frequency). This variant has not been reported in the literature in individuals affected with FKTN-related conditions. ClinVar contains an entry for this variant (Variation ID: 1363376). For these reasons, this variant has been classified as Pathogenic.

Ambry Genetics
Classification: Pathogenic for Cardiovascular phenotype. Last evaluated: 2024-09-18. Review status: criteria provided, single submitter. Criteria: Ambry Variant Classification Scheme 2023. Collection method: clinical testing. Allele origin: germline.
Comment: The c.180dupA pathogenic mutation, located in coding exon 3 of the FKTN gene, results from a duplication of A at nucleotide position 180, causing a translational frameshift with a predicted alternate stop codon (p.F61Ifs*16). This variant is considered to be rare based on population cohorts in the Genome Aggregation Database (gnomAD). This alteration is expected to result in loss of function by premature protein truncation or nonsense-mediated mRNA decay. As such, this alteration is interpreted as a disease-causing mutation.

Literature cited by the submitters: PubMed 17044012 (cited by Labcorp Genetics (formerly Invitae), Labcorp); PubMed 17878207 (cited by Labcorp Genetics (formerly Invitae), Labcorp); PubMed 18752264 (cited by Labcorp Genetics (formerly Invitae), Labcorp).